The following is an entry in ClinVar:

NM_133261.3(GIPC3):c.706-12G>A

Gene: GIPC3 (GIPC PDZ domain containing family member 3; plus strand). Cytogenetic location: 19p13.3.
Variant type: single nucleotide variant.
Coding change: c.706-12G>A on transcript NM_133261.3 (MANE Select); 12 bases into the intron before coding-DNA position 706, G replaced by A.
Molecular consequence: intron variant.
Genome position (GRCh38, 1-based): chr19:3,589,819, G>A. VCF-style: chr19-3589819-G-A. GRCh37 (hg19) VCF-style: chr19-3589817-G-A.
Identifiers: ClinVar variation 286667 (VCV000286667.19), dbSNP rs112949777, ClinGen allele CA9080524.

ClinVar aggregate classification (germline): Benign/Likely benign. Review status: criteria provided, multiple submitters, no conflicts (2 of 4 stars). 5 submissions from 5 submitters: Benign (4); Likely benign (1). Last evaluated 2025-10-27.

Allele frequency attached by ClinVar (database versions not stated): gnomAD exomes 0.00021 and 0.00055; ExAC 0.00072; gnomAD 0.00212 and 0.00222; TOPMed 0.00218; ESP Exome Variant Server 0.00231; 1000 Genomes Project 0.00319; 1000 Genomes Project 30x 0.00359.
gnomAD v4.1: 649 of 1,613,178 alleles (0.04%); highest among the groups gnomAD compares: African/African-American, 0.74%; 3 homozygotes.

Submissions (7):

Labcorp Genetics (formerly Invitae), Labcorp
Classification: Benign. Last evaluated: 2025-10-27. Review status: criteria provided, single submitter. Criteria: Invitae Variant Classification Sherloc (09022015). Collection method: clinical testing. Allele origin: germline.

Blueprint Genetics
Classification: Likely benign. Last evaluated: 2024-11-13. Review status: criteria provided, single submitter. Criteria: ACMG Guidelines, 2015. Collection method: clinical testing. Allele origin: germline.

GeneDx
Classification: Benign. Last evaluated: 2020-03-18. Review status: criteria provided, single submitter. Criteria: GeneDx Variant Classification Process June 2021. Collection method: clinical testing. Allele origin: germline. Affected: yes.

Eurofins Ntd Llc (ga)
Classification: Benign. Last evaluated: 2016-04-07. Review status: criteria provided, single submitter. Criteria: EGL Classification Definitions 2015. Collection method: clinical testing. Allele origin: germline. Observed: 1 variant allele, 1 heterozygote.

Laboratory for Molecular Medicine, Mass General Brigham Personalized Medicine
Classification: Benign. Last evaluated: 2012-04-30. Review status: criteria provided, single submitter. Criteria: LMM Criteria. Collection method: clinical testing. Allele origin: germline. Observed: 2 variant alleles.
Comment: 706-12G>A in Intron 04 of GIPC3: This variant is not expected to have clinical s ignificance because it has been identified in 0.7% (26/3738) of African American chromosomes from a broad population by the NHLBI Exome Sequencing Project (dbSNP rs112949777).

Dr. Peter K. Rogan Lab, Western University
No classification provided (evidence only). Condition: Acute myeloid leukemia. Review status: no classification provided. Collection method: in vitro. Allele origin: not applicable. Functional consequence: retained intron. Not counted in ClinVar's aggregate classification.

Dr. Peter K. Rogan Lab, Western University
No classification provided (evidence only). Condition: Sarcoma. Review status: no classification provided. Collection method: in vitro. Allele origin: not applicable. Functional consequence: retained intron. Not counted in ClinVar's aggregate classification.